The following is an entry in ClinVar:

ClinVar aggregate classification (germline): Likely benign. Review status: criteria provided, multiple submitters, no conflicts (2 of 4 stars). 5 submissions from 5 submitters: Likely benign (5). Last evaluated 2025-05-01.

Conditions:
Inborn genetic diseases. Identifiers: MedGen C0950123, MeSH D030342.

Allele frequency attached by ClinVar (database versions not stated): ExAC 0.00012; gnomAD exomes 0.00014 and 0.00026; gnomAD 0.00018 and 0.00020; TOPMed 0.00020; ESP Exome Variant Server 0.00024.
gnomAD v4.1: 395 of 1,613,912 alleles (0.024%); highest among the groups gnomAD compares: Non-Finnish European, 0.032%; 1 homozygote.

Submissions (5):

CeGaT Center for Human Genetics Tuebingen
Classification: Likely benign. Last evaluated: 2025-05-01. Review status: criteria provided, single submitter. Criteria: CeGaT Center For Human Genetics Tuebingen Variant Classification Criteria Version 2. Collection method: clinical testing. Allele origin: germline. Affected: yes. Observed: 5 variant alleles.
Comment: ASXL3: BP4, BS1

Laboratory of Genetics, Children's Clinical University Hospital Latvia
Classification: Likely benign. Last evaluated: 2025-02-16. Review status: criteria provided, single submitter. Criteria: ACMG Guidelines, 2015. Collection method: clinical testing. Allele origin: germline. Affected: yes.

Blueprint Genetics
Classification: Likely benign. Last evaluated: 2024-11-12. Review status: criteria provided, single submitter. Criteria: ACMG Guidelines, 2015. Collection method: clinical testing. Allele origin: germline.

Ambry Genetics
Classification: Likely benign for Inborn genetic diseases. Last evaluated: 2023-02-24. Review status: criteria provided, single submitter. Criteria: Ambry Variant Classification Scheme 2023. Collection method: clinical testing. Allele origin: germline.

GeneDx
Classification: Likely benign. Last evaluated: 2020-07-02. Review status: criteria provided, single submitter. Criteria: GeneDx Variant Classification Process June 2021. Collection method: clinical testing. Allele origin: germline. Affected: yes.

NM_030632.3(ASXL3):c.5713A>G (p.Ser1905Gly)

Gene: ASXL3 (ASXL transcriptional regulator 3; plus strand). Cytogenetic location: 18q12.1.
Variant type: single nucleotide variant.
Coding change: c.5713A>G on transcript NM_030632.3 (MANE Select); coding-DNA position 5713, A replaced by G.
Protein change: p.Ser1905Gly; replaces serine 1905 with glycine.
Molecular consequence: missense variant.
Genome position (GRCh38, 1-based): chr18:33,745,561, A>G. VCF-style: chr18-33745561-A-G. GRCh37 (hg19) VCF-style: chr18-31325525-A-G.
Other names: short protein forms S1905G.
Identifiers: ClinVar variation 1212489 (VCV001212489.39), dbSNP rs200944752, ClinGen allele CA8934468.